The following is an entry in ClinVar:

NM_004525.3(LRP2):c.11225A>C (p.Gln3742Pro)

Gene: LRP2 (LDL receptor related protein 2; minus strand). Cytogenetic location: 2q31.1.
Variant type: single nucleotide variant.
Coding change: c.11225A>C on transcript NM_004525.3 (MANE Select); coding-DNA position 11225, A replaced by C.
Protein change: p.Gln3742Pro; replaces glutamine 3742 with proline.
Molecular consequence: missense variant.
Genome position (GRCh38, 1-based): chr2:169,172,053, T>G on the plus strand (A>C on the coding strand, the complement: LRP2 is on the minus strand). VCF-style: chr2-169172053-T-G. GRCh37 (hg19) VCF-style: chr2-170028563-T-G.
Other names: short protein forms Q3742P.
Identifiers: ClinVar variation 3616037 (VCV003616037.2).

ClinVar aggregate classification (germline): Uncertain significance (1 of 4 stars; one submission).

gnomAD v4.1: 2 of 1,614,114 alleles (0.00012%); highest among the groups gnomAD compares: Non-Finnish European, 0.00017%; no homozygotes.

Submission:

Labcorp Genetics (formerly Invitae), Labcorp
Classification: Uncertain significance. Last evaluated: 2024-04-02. Review status: criteria provided, single submitter. Criteria: Invitae Variant Classification Sherloc (09022015). Collection method: clinical testing. Allele origin: germline.
Comment: This sequence change replaces glutamine, which is neutral and polar, with proline, which is neutral and non-polar, at codon 3742 of the LRP2 protein (p.Gln3742Pro). This variant is not present in population databases (gnomAD no frequency). This variant has not been reported in the literature in individuals affected with LRP2-related conditions. Advanced modeling of protein sequence and biophysical properties (such as structural, functional, and spatial information, amino acid conservation, physicochemical variation, residue mobility, and thermodynamic stability) performed at Invitae indicates that this missense variant is not expected to disrupt LRP2 protein function with a negative predictive value of 95%. In summary, the available evidence is currently insufficient to determine the role of this variant in disease. Therefore, it has been classified as a Variant of Uncertain Significance.